The following is an entry in ClinVar:

NM_020778.5(ALPK3):c.4240G>T (p.Gly1414Cys)

Gene: ALPK3 (alpha kinase 3; plus strand). Cytogenetic location: 15q25.3.
Variant type: single nucleotide variant.
Coding change: c.4240G>T on transcript NM_020778.5 (MANE Select); coding-DNA position 4240, G replaced by T.
Protein change: p.Gly1414Cys; replaces glycine 1414 with cysteine.
Molecular consequence: missense variant.
Genome position (GRCh38, 1-based): chr15:84,862,745, G>T. VCF-style: chr15-84862745-G-T. GRCh37 (hg19) VCF-style: chr15-85405976-G-T.
Other names: short protein forms G1414C.
Identifiers: ClinVar variation 3665235 (VCV003665235.2).
Genomic context (GRCh38, chr15:84,862,745, plus strand): 5'-GACTCTGGCTGCTGGGGGGACAAGCTCTTTGGGCGACTGGTAAGCGAGGAGCTCCGAGGG[G>T]GTGGATATGGGTGTGGCCTTCGGAAGGCCTCCCAGGCCAAGGTCATCTACGGGCTGGAAC-3'
Protein context (NP_065829.4, residues 1404-1424): GRLVSEELRG[Gly1414Cys]GYGCGLRKAS

ClinVar aggregate classification (germline): Uncertain significance (1 of 4 stars; one submission).

gnomAD v4.1: 1 of 1,614,150 alleles (0.000062%); highest among the groups gnomAD compares: Non-Finnish European, 0.000085%; no homozygotes.

Submission:

Labcorp Genetics (formerly Invitae), Labcorp
Classification: Uncertain significance. Last evaluated: 2024-11-21. Review status: criteria provided, single submitter. Criteria: Invitae Variant Classification Sherloc (09022015). Collection method: clinical testing. Allele origin: germline.
Comment: This sequence change replaces glycine, which is neutral and non-polar, with cysteine, which is neutral and slightly polar, at codon 1616 of the ALPK3 protein (p.Gly1616Cys). This variant is not present in population databases (gnomAD no frequency). This variant has not been reported in the literature in individuals affected with ALPK3-related conditions. Invitae Evidence Modeling of protein sequence and biophysical properties (such as structural, functional, and spatial information, amino acid conservation, physicochemical variation, residue mobility, and thermodynamic stability) indicates that this missense variant is expected to disrupt ALPK3 protein function with a positive predictive value of 80%. In summary, the available evidence is currently insufficient to determine the role of this variant in disease. Therefore, it has been classified as a Variant of Uncertain Significance.